The following is an entry in ClinVar:

NM_198576.4(AGRN):c.1250A>G (p.Asp417Gly)

Gene: AGRN (agrin; plus strand). Cytogenetic location: 1p36.33.
Variant type: single nucleotide variant.
Coding change: c.1250A>G on transcript NM_198576.4 (MANE Select); coding-DNA position 1250, A replaced by G.
Protein change: p.Asp417Gly; replaces aspartic acid 417 with glycine.
Molecular consequence: missense variant.
Genome position (GRCh38, 1-based): chr1:1,042,028, A>G. VCF-style: chr1-1042028-A-G. GRCh37 (hg19) VCF-style: chr1-977408-A-G.
Other names: c.1250A>G, p.Asp417Gly (NM_001305275.2); c.935A>G, p.Asp312Gly (NM_001364727.2); short protein forms D312G, D417G.
Identifiers: ClinVar variation 2608543 (VCV002608543.5), dbSNP rs1570198788, ClinGen allele CA337827824.
Genomic context (GRCh38, chr1:1,042,028, plus strand): 5'-AGCCCTGCCGGTTCAATGCCGTGTGCCTGTCCCGCCGTGGCCGTCCCCGCTGCTCCTGCG[A>G]CCGCGTCACCTGTGACGGGGCCTACAGGCCCGTGTGTGCCCAGGACGGGCGCACGTATGA-3'
Protein context (NP_940978.2, residues 407-427): SRRGRPRCSC[Asp417Gly]RVTCDGAYRP

ClinVar aggregate classification (germline): Uncertain significance. Review status: criteria provided, multiple submitters, no conflicts (2 of 4 stars). 2 submissions from 2 submitters: Uncertain significance (2). Last evaluated 2024-05-15.

Conditions:
Congenital myasthenic syndrome 8. Also called: Myasthenic syndrome, congenital, 8, with pre- and postsynaptic defects; MYASTHENIC SYNDROME, CONGENITAL, DUE TO AGRIN DEFICIENCY. Identifiers: Orphanet 590, MedGen C3808739, MONDO:0014052, OMIM 615120.
Inborn genetic diseases. Identifiers: MedGen C0950123, MeSH D030342.

Submissions (2):

Labcorp Genetics (formerly Invitae), Labcorp
Classification: Uncertain significance for Congenital myasthenic syndrome 8. Last evaluated: 2024-05-15. Review status: criteria provided, single submitter. Criteria: Invitae Variant Classification Sherloc (09022015). Collection method: clinical testing. Allele origin: germline.
Comment: This sequence change replaces aspartic acid, which is acidic and polar, with glycine, which is neutral and non-polar, at codon 417 of the AGRN protein (p.Asp417Gly). This variant is not present in population databases (gnomAD no frequency). This variant has not been reported in the literature in individuals affected with AGRN-related conditions. ClinVar contains an entry for this variant (Variation ID: 2608543). An algorithm developed to predict the effect of missense changes on protein structure and function (PolyPhen-2) suggests that this variant is likely to be disruptive. In summary, the available evidence is currently insufficient to determine the role of this variant in disease. Therefore, it has been classified as a Variant of Uncertain Significance.

Ambry Genetics
Classification: Uncertain significance for Inborn genetic diseases. Last evaluated: 2023-06-29. Review status: criteria provided, single submitter. Criteria: Ambry Variant Classification Scheme 2023. Collection method: clinical testing. Allele origin: germline.